The following is an entry in ClinVar:

NM_012082.4(ZFPM2):c.1721G>A (p.Arg574Gln)

Genes: ZFPM2-AS1 (ZFPM2 antisense RNA 1; minus strand), ZFPM2 (zinc finger protein, FOG family member 2; plus strand). Cytogenetic location: 8q23.1.
Variant type: single nucleotide variant.
Coding change: c.1721G>A on transcript NM_012082.4 (MANE Select); coding-DNA position 1721, G replaced by A.
Protein change: p.Arg574Gln; replaces arginine 574 with glutamine.
Molecular consequence: missense variant.
Genome position (GRCh38, 1-based): chr8:105,801,803, G>A. VCF-style: chr8-105801803-G-A. GRCh37 (hg19) VCF-style: chr8-106814031-G-A.
Other names: c.1562G>A, p.Arg521Gln (NM_001362836.2); c.1325G>A, p.Arg442Gln (NM_001362837.2); short protein forms R521Q, R574Q, R442Q.
Identifiers: ClinVar variation 1046639 (VCV001046639.8), dbSNP rs773843701, ClinGen allele CA4839795.
Genomic context (GRCh38, chr8:105,801,803, plus strand): 5'-ACATAACATTCAATAATTTGGATAATTATCTAGTGCACAAAAAGCATTATTGCAGCAGCC[G>A]ATGGCAGCAGATGGCTAAGTCCCCAGAGTTCCCTAGTGTGTCAGAAAAGATGCCTGAAGC-3'
Protein context (NP_036214.2, residues 564-584): LVHKKHYCSS[Arg574Gln]WQQMAKSPEF

ClinVar aggregate classification (germline): Uncertain significance (1 of 4 stars; one submission).

Conditions:
46,XY sex reversal 9 (SRXY9). Also called: 46,XY SEX REVERSAL, ZFPM2-RELATED. Identifiers: Orphanet 251510, MedGen C4015129, MONDO:0014480, OMIM 616067.

Allele frequency attached by ClinVar (database versions not stated): gnomAD 0.00003; TOPMed 0.00004; ExAC 0.00005; gnomAD exomes 0.00007.
gnomAD v4.1: 85 of 1,613,818 alleles (0.0053%); highest among the groups gnomAD compares: Admixed American, 0.0067%; 1 homozygote.

Submission:

Labcorp Genetics (formerly Invitae), Labcorp
Classification: Uncertain significance for 46,XY sex reversal 9. Last evaluated: 2025-10-28. Review status: criteria provided, single submitter. Criteria: Invitae Variant Classification Sherloc (09022015). Collection method: clinical testing. Allele origin: germline.
Comment: This sequence change replaces arginine, which is basic and polar, with glutamine, which is neutral and polar, at codon 574 of the ZFPM2 protein (p.Arg574Gln). This variant is present in population databases (rs773843701, gnomAD 0.01%). This variant has not been reported in the literature in individuals affected with ZFPM2-related conditions. ClinVar contains an entry for this variant (Variation ID: 1046639). An algorithm developed to predict the effect of missense changes on protein structure and function (PolyPhen-2) suggests that this variant is likely to be disruptive. In summary, the available evidence is currently insufficient to determine the role of this variant in disease. Therefore, it has been classified as a Variant of Uncertain Significance.